The following is an entry in ClinVar:

NM_004380.3(CREBBP):c.3649C>T (p.Gln1217Ter)

Gene: CREBBP (CREB binding lysine acetyltransferase; minus strand). Cytogenetic location: 16p13.3.
Variant type: single nucleotide variant.
Coding change: c.3649C>T on transcript NM_004380.3 (MANE Select); coding-DNA position 3649, C replaced by T.
Protein change: p.Gln1217Ter; replaces glutamine 1217 with a stop codon.
Molecular consequence: nonsense.
Genome position (GRCh38, 1-based): chr16:3,757,337, G>A on the plus strand (C>T on the coding strand, the complement: CREBBP is on the minus strand). VCF-style: chr16-3757337-G-A. GRCh37 (hg19) VCF-style: chr16-3807338-G-A.
Other names: c.3535C>T, p.Gln1179Ter (NM_001079846.1); short protein forms Q1179*, Q1217*.
Identifiers: ClinVar variation 3382830 (VCV003382830.2).

ClinVar aggregate classification (germline): Pathogenic (1 of 4 stars; one submission).

Conditions:
Rubinstein-Taybi syndrome due to CREBBP mutations (RSTS1). Also called: RUBINSTEIN-TAYBI SYNDROME 1, INCOMPLETE; RUBINSTEIN SYNDROME; BROAD THUMBS AND GREAT TOES, CHARACTERISTIC FACIES, AND IMPAIRED INTELLECTUAL DEVELOPMENT; BROAD THUMB-HALLUX SYNDROME; Rubinstein-Taybi syndrome 1; CREBBP-Related Rubinstein-Taybi Syndrome. Identifiers: Orphanet 353277, Orphanet 783, MedGen C4551859, MONDO:0008393, OMIM 180849.

Submission:

Juno Genomics, Hangzhou Juno Genomics, Inc
Classification: Pathogenic for Rubinstein-Taybi syndrome due to CREBBP mutations. Review status: criteria provided, single submitter. Criteria: ACMG Guidelines, 2015. Collection method: clinical testing. Allele origin: germline. Affected: yes.
Comment: Absent from controls (or at extremely low frequency if recessive) in Genome Aggregation Database, Exome Sequencing Project, 1000 Genomes Project, or Exome Aggregation Consortium.;De novo (both maternity and paternity confirmed) in a patient with the disease and no family history.;Null variant in a gene where loss of function (LOF) is a known mechanism of disease.;The prevalence of the variant in affected individuals is significantly increased compared to the prevalence in controls.